The following is an entry in ClinVar:

NM_003901.4(SGPL1):c.1384C>T (p.Arg462Ter)

Gene: SGPL1 (sphingosine-1-phosphate lyase 1; plus strand). Cytogenetic location: 10q22.1.
Variant type: single nucleotide variant.
Coding change: c.1384C>T on transcript NM_003901.4 (MANE Select); coding-DNA position 1384, C replaced by T.
Protein change: p.Arg462Ter; replaces arginine 462 with a stop codon.
Molecular consequence: nonsense. On other transcripts: non-coding transcript variant (1).
Genome position (GRCh38, 1-based): chr10:70,875,487, C>T. VCF-style: chr10-70875487-C-T. GRCh37 (hg19) VCF-style: chr10-72635244-C-T.
Other names: c.1144C>T, p.Arg382Ter (NM_001437828.1); c.1417C>T, p.Arg473Ter (NM_001438353.1); c.1384C>T, p.Arg462Ter (NM_001438354.1, NM_001438355.1, NM_001438356.1 and 1 more transcripts); short protein forms R473*, R382*, R462*.
Identifiers: ClinVar variation 5007730 (VCV005007730.2).
Genomic context (GRCh38, chr10:70,875,487, plus strand): 5'-GTTTTTGGGAATCCCCAATTGTCAGTCATTGCTCTGGGATCCCGTGATTTTGACATCTAC[C>T]GACTATCAAACCTGATGACTGCTAAGGGGTGGAACTTGAACCAGTTGCAGTTCCCACCCA-3'

ClinVar aggregate classification (germline): Likely pathogenic (1 of 4 stars; one submission).

Conditions:
Nephrotic syndrome 14. Also called: Sphingosine Phosphate Lyase Insufficiency Syndrome; RENI SYNDROME; RENAL, ENDOCRINE, NEUROLOGIC, AND IMMUNE SYNDROME. Identifiers: Orphanet 506334, MedGen C4540559, MONDO:0033203, OMIM 617575.

gnomAD v4.1: 27 of 1,612,724 alleles (0.0017%); highest among the groups gnomAD compares: Non-Finnish European, 0.0023%; no homozygotes.

Submission:

Juno Genomics, Hangzhou Juno Genomics, Inc
Classification: Likely pathogenic for Nephrotic syndrome 14. Review status: criteria provided, single submitter. Criteria: ACMG Guidelines, 2015. Collection method: clinical testing. Allele origin: germline.
Comment: Null variant in a gene where loss of function (LOF) is a known mechanism of disease.;Absent from controls (or at extremely low frequency if recessive) in Genome Aggregation Database.